The following is an entry in ClinVar:

NM_133433.4(NIPBL):c.7860+141A>G

Gene: NIPBL (NIPBL cohesin loading factor; plus strand). Cytogenetic location: 5p13.2.
Variant type: single nucleotide variant.
Coding change: c.7860+141A>G on transcript NM_133433.4 (MANE Select); 141 bases into the intron after coding-DNA position 7860, A replaced by G.
Molecular consequence: intron variant.
Genome position (GRCh38, 1-based): chr5:37,061,159, A>G. VCF-style: chr5-37061159-A-G. GRCh37 (hg19) VCF-style: chr5-37061261-A-G.
Other names: c.7860+141A>G (NM_015384.5).
Identifiers: ClinVar variation 667678 (VCV000667678.2), dbSNP rs188541, ClinGen allele CA12147218.
Genomic context (GRCh38, chr5:37,061,159, plus strand): 5'-CTATCTCCTTCACATTGAATATAAGCTTCATGAACTATCAAGATAATTTTTCTCTATCTT[A>G]TTTTAATGAGTTACTTTAAGCTTGTCTTTCCCATTGCACCCATGGCATCCTAATTATTTT-3'

ClinVar aggregate classification (germline): Benign. Review status: criteria provided, multiple submitters, no conflicts (2 of 4 stars). 2 submissions from 2 submitters: Benign (2). Last evaluated 2018-06-16.

Allele frequency attached by ClinVar (database versions not stated): gnomAD exomes 0.47955; gnomAD 0.57014 and 0.57297; TOPMed 0.59409; 1000 Genomes Project 0.62181; 1000 Genomes Project 30x 0.62742.
gnomAD v4.1: 330,264 of 658,796 alleles (50%); highest among the groups gnomAD compares: African/African-American, 82%; 87,108 homozygotes.

Submissions (2):

GeneDx
Classification: Benign. Last evaluated: 2018-06-16. Review status: criteria provided, single submitter. Criteria: GeneDx Variant Classification (06012015). Collection method: clinical testing. Allele origin: germline. Affected: yes.
Comment: This variant is considered likely benign or benign based on one or more of the following criteria: it is a conservative change, it occurs at a poorly conserved position in the protein, it is predicted to be benign by multiple in silico algorithms, and/or has population frequency not consistent with disease.

Breakthrough Genomics
Classification: Benign. Review status: criteria provided, single submitter. Criteria: ACMG Guidelines, 2015. Collection method: not provided. Allele origin: germline. Inheritance: Autosomal dominant inheritance. Affected: yes.